The following is an entry in ClinVar:

ClinVar aggregate classification (germline): Uncertain significance. Review status: criteria provided, multiple submitters, no conflicts (2 of 4 stars). 2 submissions from 2 submitters: Uncertain significance (2). Last evaluated 2024-01-14.

Allele frequency attached by ClinVar (database versions not stated): gnomAD 0.00001; gnomAD exomes 0.00002; TOPMed 0.00002.
gnomAD v4.1: 28 of 1,613,898 alleles (0.0017%); highest among the groups gnomAD compares: Non-Finnish European, 0.0023%; no homozygotes.

Submissions (2):

Labcorp Genetics (formerly Invitae), Labcorp
Classification: Uncertain significance. Last evaluated: 2024-01-14. Review status: criteria provided, single submitter. Criteria: Invitae Variant Classification Sherloc (09022015). Collection method: clinical testing. Allele origin: germline.
Comment: This sequence change affects an acceptor splice site in intron 1 of the SPP2 gene. It is expected to disrupt RNA splicing. Variants that disrupt the donor or acceptor splice site typically lead to a loss of protein function (PMID: 16199547), however the current clinical and genetic evidence is not sufficient to establish whether loss-of-function variants in SPP2 cause disease. This variant is present in population databases (no rsID available, gnomAD 0.002%). This variant has not been reported in the literature in individuals affected with SPP2-related conditions. Algorithms developed to predict the effect of sequence changes on RNA splicing suggest that this variant may disrupt the consensus splice site. In summary, the available evidence is currently insufficient to determine the role of this variant in disease. Therefore, it has been classified as a Variant of Uncertain Significance.

Blueprint Genetics
Classification: Uncertain significance. Last evaluated: 2021-11-17. Review status: criteria provided, single submitter. Criteria: ACMG Guidelines, 2015. Collection method: clinical testing. Allele origin: germline.

Literature cited by the submitters: PubMed 16199547 (cited by Labcorp Genetics (formerly Invitae), Labcorp).

NM_006944.3(SPP2):c.86-1G>T

Gene: SPP2 (secreted phosphoprotein 2; plus strand). Cytogenetic location: 2q37.1.
Variant type: single nucleotide variant.
Coding change: c.86-1G>T on transcript NM_006944.3 (MANE Select); the canonical splice acceptor site of the intron before coding-DNA position 86, G replaced by T.
Molecular consequence: splice acceptor variant.
Genome position (GRCh38, 1-based): chr2:234,050,970, G>T. VCF-style: chr2-234050970-G-T. GRCh37 (hg19) VCF-style: chr2-234959614-G-T.
Identifiers: ClinVar variation 3005114 (VCV003005114.4), dbSNP rs1400560316, ClinGen allele CA351099297.